The following is an entry in ClinVar:

ClinVar aggregate classification (germline): Uncertain significance (1 of 4 stars; one submission).

Submission:

CeGaT Center for Human Genetics Tuebingen
Classification: Uncertain significance. Last evaluated: 2023-08-01. Review status: criteria provided, single submitter. Criteria: CeGaT Center For Human Genetics Tuebingen Variant Classification Criteria Version 2. Collection method: clinical testing. Allele origin: germline. Affected: yes. Observed: 1 variant allele.
Comment: TFAP2B: PM2, PS2:Supporting

NM_003221.4(TFAP2B):c.1133T>C (p.Ile378Thr)

Gene: TFAP2B (transcription factor AP-2 beta; plus strand). Cytogenetic location: 6p12.3.
Variant type: single nucleotide variant.
Coding change: c.1133T>C on transcript NM_003221.4 (MANE Select); coding-DNA position 1133, T replaced by C.
Protein change: p.Ile378Thr; replaces isoleucine 378 with threonine.
Molecular consequence: missense variant.
Genome position (GRCh38, 1-based): chr6:50,843,142, T>C. VCF-style: chr6-50843142-T-C. GRCh37 (hg19) VCF-style: chr6-50810855-T-C.
Other names: short protein forms I378T.
Identifiers: ClinVar variation 2579001 (VCV002579001.25), dbSNP rs755194570, ClinGen allele CA364415915.